The following is an entry in ClinVar:

NM_004360.5(CDH1):c.2271A>G (p.Glu757=)

Gene: CDH1 (cadherin 1; plus strand). Cytogenetic location: 16q22.1.
Variant type: single nucleotide variant.
Coding change: c.2271A>G on transcript NM_004360.5 (MANE Select); coding-DNA position 2271, A replaced by G.
Protein change: p.Glu757=; no amino-acid change (glutamic acid 757 retained).
Molecular consequence: synonymous variant.
Genome position (GRCh38, 1-based): chr16:68,828,280, A>G. VCF-style: chr16-68828280-A-G. GRCh37 (hg19) VCF-style: chr16-68862183-A-G.
Other names: c.2088A>G, p.Glu696= (NM_001317184.2); c.723A>G, p.Glu241= (NM_001317185.2); c.306A>G, p.Glu102= (NM_001317186.2); c.2271A>G (NM_004360.3, NM_004360.4).
Identifiers: ClinVar variation 1602830 (VCV001602830.12), dbSNP rs2152141556, ClinGen allele CA496157184.
Genomic context (GRCh38, chr16:68,828,280, plus strand): 5'-CAAAGAGCCCTTACTGCCCCCAGAGGATGACACCCGGGACAACGTTTATTACTATGATGA[A>G]GAAGGAGGCGGAGAAGAGGACCAGGTGGGTTTTGAAAACCTTGGTAGCTCAGTGGTGATC-3'
Protein context (NP_004351.1, residues 747-767): DTRDNVYYYD[Glu757=]EGGGEEDQDF

ClinVar aggregate classification (germline): Benign/Likely benign. Review status: criteria provided, multiple submitters, no conflicts (2 of 4 stars). 4 submissions from 4 submitters: Benign (1); Likely benign (2). 1 of the submissions does not count toward it. Last evaluated 2024-09-23.

Conditions:
Hereditary diffuse gastric adenocarcinoma (HDGC). Also called: DIFFUSE GASTRIC AND LOBULAR BREAST CANCER SYNDROME. Identifiers: Orphanet 26106, MedGen C1708349, MONDO:0007648, OMIM 137215.
CDH1-related disorder. Also called: CDH1-related condition.
Hereditary cancer-predisposing syndrome. Also called: Hereditary neoplastic syndrome; Hereditary Cancer Syndrome; Neoplastic Syndromes, Hereditary; Tumor predisposition. Identifiers: Orphanet 140162, MedGen C0027672, MeSH D009386, MONDO:0015356.

Submissions (4):

Myriad Genetics, Inc.
Classification: Benign for Hereditary diffuse gastric adenocarcinoma. Last evaluated: 2024-09-23. Review status: criteria provided, single submitter. Criteria: Myriad Autosomal Dominant, Autosomal Recessive and X-Linked Classification Criteria (2023). Collection method: clinical testing. Allele origin: unknown.
Comment: This variant is considered benign. This variant is a silent/synonymous amino acid change and it is not expected to impact splicing.

Ambry Genetics
Classification: Likely benign for Hereditary cancer-predisposing syndrome. Last evaluated: 2023-05-23. Review status: criteria provided, single submitter. Criteria: Ambry Variant Classification Scheme 2023. Collection method: clinical testing. Allele origin: germline.

Labcorp Genetics (formerly Invitae), Labcorp
Classification: Likely benign for Hereditary diffuse gastric adenocarcinoma. Last evaluated: 2021-09-04. Review status: criteria provided, single submitter. Criteria: Invitae Variant Classification Sherloc (09022015). Collection method: clinical testing. Allele origin: germline.

PreventionGenetics, part of Exact Sciences
Classification: Likely benign for CDH1-related condition. Last evaluated: 2019-08-16. Review status: no assertion criteria provided. Collection method: clinical testing. Allele origin: germline. Not counted in ClinVar's aggregate classification.
Comment: This variant is classified as likely benign based on ACMG/AMP sequence variant interpretation guidelines (Richards et al. 2015 PMID: 25741868, with internal and published modifications).